The following is an entry in ClinVar:

ClinVar aggregate classification (germline): Likely benign (1 of 4 stars; one submission).

gnomAD v4.1: 3 of 1,614,096 alleles (0.00019%); highest among the groups gnomAD compares: Admixed American, 0.005%; no homozygotes.

Submission:

CeGaT Center for Human Genetics Tuebingen
Classification: Likely benign. Last evaluated: 2026-07-01. Review status: criteria provided, single submitter. Criteria: CeGaT Center For Human Genetics Tuebingen Variant Classification Criteria Version 2. Collection method: clinical testing. Allele origin: germline. Affected: yes. Observed: 1 variant allele.
Comment: SRRM2: BP4

NM_016333.4(SRRM2):c.6366G>T (p.Met2122Ile)

Gene: SRRM2 (serine/arginine repetitive matrix 2; plus strand). Cytogenetic location: 16p13.3.
Variant type: single nucleotide variant.
Coding change: c.6366G>T on transcript NM_016333.4 (MANE Select); coding-DNA position 6366, G replaced by T.
Protein change: p.Met2122Ile; replaces methionine 2122 with isoleucine.
Molecular consequence: missense variant.
Genome position (GRCh38, 1-based): chr16:2,766,894, G>T. VCF-style: chr16-2766894-G-T. GRCh37 (hg19) VCF-style: chr16-2816895-G-T.
Other names: short protein forms M2122I.
Identifiers: ClinVar variation 5039989 (VCV005039989.1).